The following is an entry in ClinVar:

NM_201253.3(CRB1):c.716G>C (p.Cys239Ser)

Gene: CRB1 (crumbs cell polarity complex component 1; plus strand). Cytogenetic location: 1q31.3.
Variant type: single nucleotide variant.
Coding change: c.716G>C on transcript NM_201253.3 (MANE Select); coding-DNA position 716, G replaced by C.
Protein change: p.Cys239Ser; replaces cysteine 239 with serine.
Molecular consequence: missense variant. On other transcripts: non-coding transcript variant (2), intron variant (1).
Genome position (GRCh38, 1-based): chr1:197,344,344, G>C. VCF-style: chr1-197344344-G-C. GRCh37 (hg19) VCF-style: chr1-197313474-G-C.
Other names: c.509G>C, p.Cys170Ser (NM_001257965.2); c.716G>C, p.Cys239Ser (NM_001257966.2); c.653-12487G>C (NM_001193640.2); short protein forms C239S, C170S.
Identifiers: ClinVar variation 1433879 (VCV001433879.9), dbSNP rs771079655, ClinGen allele CA1311694.
Genomic context (GRCh38, chr1:197,344,344, plus strand): 5'-TAAACTGTGAATTGGAAATTGACGAATGTTGGTCCCAGCCTTGTTTAAATGGTGCAACTT[G>C]TCAGGATGCTCTGGGGGCCTATTTCTGCGACTGTGCCCCTGGATTCCTGGGGGATCACTG-3'
Protein context (NP_957705.1, residues 229-249): WSQPCLNGAT[Cys239Ser]QDALGAYFCD

ClinVar aggregate classification (germline): Conflicting classifications of pathogenicity. Review status: criteria provided, conflicting classifications (1 of 4 stars). 2 submissions from 2 submitters: Likely pathogenic (1); Uncertain significance (1). Last evaluated 2025-04-14.

Conditions:
Leber congenital amaurosis 8 (LCA8). Identifiers: Orphanet 65, MedGen C3151202, MONDO:0013453, OMIM 613835.
Retinitis pigmentosa 12 (RP12). Also called: RP WITH OR WITHOUT PRESERVED PARAARTERIOLE RETINAL PIGMENT EPITHELIUM; RETINITIS PIGMENTOSA WITH OR WITHOUT PARAARTERIOLAR PRESERVATION OF RETINAL PIGMENT EPITHELIUM; RP WITH OR WITHOUT PPRPE. Identifiers: Orphanet 791, MedGen C1838647, MONDO:0010818, OMIM 600105.

Allele frequency attached by ClinVar (database versions not stated): gnomAD exomes below 0.00001; TOPMed below 0.00001; ExAC 0.00001; gnomAD 0.00001.
gnomAD v4.1: 3 of 1,614,028 alleles (0.00019%); highest among the groups gnomAD compares: East Asian, 0.0045%; no homozygotes.

Submissions (2):

Labcorp Genetics (formerly Invitae), Labcorp
Classification: Likely pathogenic for Leber congenital amaurosis 8; Retinitis pigmentosa 12. Last evaluated: 2025-04-14. Review status: criteria provided, single submitter. Criteria: Invitae Variant Classification Sherloc (09022015). Collection method: clinical testing. Allele origin: germline.
Comment: This sequence change replaces cysteine, which is neutral and slightly polar, with serine, which is neutral and polar, at codon 239 of the CRB1 protein (p.Cys239Ser). This variant is present in population databases (rs771079655, gnomAD 0.006%). This missense change has been observed in individual(s) with macular dystrophy (internal data). ClinVar contains an entry for this variant (Variation ID: 1433879). Invitae Evidence Modeling of protein sequence and biophysical properties (such as structural, functional, and spatial information, amino acid conservation, physicochemical variation, residue mobility, and thermodynamic stability) has been performed for this missense variant. However, the output from this modeling did not meet the statistical confidence thresholds required to predict the impact of this variant on CRB1 protein function. This variant disrupts the p.Cys239 amino acid residue in CRB1. Other variant(s) that disrupt this residue have been determined to be pathogenic (internal data). This suggests that this residue is clinically significant, and that variants that disrupt this residue are likely to be disease-causing. In summary, the currently available evidence indicates that the variant is pathogenic, but additional data are needed to prove that conclusively. Therefore, this variant has been classified as Likely Pathogenic.

Blueprint Genetics
Classification: Uncertain significance. Last evaluated: 2020-12-09. Review status: criteria provided, single submitter. Criteria: ACMG Guidelines, 2015. Collection method: clinical testing. Allele origin: germline.